The following is an entry in ClinVar:

ClinVar aggregate classification (germline): Uncertain significance (1 of 4 stars; one submission).

Conditions:
Supravalvar aortic stenosis (SVAS). Also called: Supravalvar aortic stenosis, Eisenberg type. Identifiers: Orphanet 3193, MedGen C0003499, MONDO:0008504, OMIM 185500, HP:0004381.

Submission:

Labcorp Genetics (formerly Invitae), Labcorp
Classification: Uncertain significance for Supravalvar aortic stenosis. Last evaluated: 2024-07-24. Review status: criteria provided, single submitter. Criteria: Invitae Variant Classification Sherloc (09022015). Collection method: clinical testing. Allele origin: germline.
Comment: This variant, c.1425_1442dup, results in the insertion of 6 amino acid(s) of the ELN protein (p.Thr477_Gly482dup), but otherwise preserves the integrity of the reading frame. The frequency data for this variant in the population databases is considered unreliable, as metrics indicate poor data quality at this position in the gnomAD database. This variant has not been reported in the literature in individuals affected with ELN-related conditions. In summary, the available evidence is currently insufficient to determine the role of this variant in disease. Therefore, it has been classified as a Variant of Uncertain Significance.

NM_000501.4(ELN):c.1358-191_1358-174dup

Gene: ELN (elastin; plus strand). Cytogenetic location: 7q11.23.
Variant type: Duplication.
Coding change: c.1358-191_1358-174dup on transcript NM_000501.4 (MANE Select); 191 bases into the intron before coding-DNA position 1358 through 174 bases into the intron before coding-DNA position 1358, 18 bases duplicated (GGGCACGGGAGGAGTGCC).
Molecular consequence: intron variant.
Genome position (GRCh38, 1-based): chr7:74,057,449-74,057,466, GGGCACGGGAGGAGTGCC duplicated; duplicating any 18 consecutive bases within chr7:74,057,444-74,057,466 gives the same sequence; the c. name uses the placement nearest the transcript's 3' end. VCF-style (leftmost placement, unchanged base first): chr7-74057443-T-TGTGCCGGGCACGGGAGGA. GRCh37 (hg19) VCF-style: chr7-73471773-T-TGTGCCGGGCACGGGAGGA.
Other names: c.1425_1442dup, p.Gly482_Val483insThrGlyGlyValProGly (NM_001278939.2); c.1373-191_1373-174dup (NM_001081754.3); c.1372+736_1372+753dup (NM_001081753.3); c.1358-191_1358-174dup (NM_001278915.2, NM_001278912.2); c.1357+736_1357+753dup (NM_001081755.3); c.1315+736_1315+753dup (NM_001278916.2); c.1171+736_1171+753dup (NM_001278913.2); c.1342+736_1342+753dup (NM_001278914.2); and 3 more.
Identifiers: ClinVar variation 3685984 (VCV003685984.2).